The following is an entry in ClinVar:

NM_006231.4(POLE):c.5384T>C (p.Leu1795Pro)

Gene: POLE (DNA polymerase epsilon, catalytic subunit; minus strand). Cytogenetic location: 12q24.33.
Variant type: single nucleotide variant.
Coding change: c.5384T>C on transcript NM_006231.4 (MANE Select); coding-DNA position 5384, T replaced by C.
Protein change: p.Leu1795Pro; replaces leucine 1795 with proline.
Molecular consequence: missense variant.
Genome position (GRCh38, 1-based): chr12:132,639,293, A>G on the plus strand (T>C on the coding strand, the complement: POLE is on the minus strand). VCF-style: chr12-132639293-A-G. GRCh37 (hg19) VCF-style: chr12-133215879-A-G.
Other names: short protein forms L1795P.
Identifiers: ClinVar variation 1418823 (VCV001418823.6), dbSNP rs2138511458, ClinGen allele CA387375156.

ClinVar aggregate classification (germline): Uncertain significance (1 of 4 stars; one submission).

Submission:

Labcorp Genetics (formerly Invitae), Labcorp
Classification: Uncertain significance. Last evaluated: 2021-11-07. Review status: criteria provided, single submitter. Criteria: Invitae Variant Classification Sherloc (09022015). Collection method: clinical testing. Allele origin: germline.
Comment: Algorithms developed to predict the effect of missense changes on protein structure and function (SIFT, PolyPhen-2, Align-GVGD) all suggest that this variant is likely to be disruptive. This variant has not been reported in the literature in individuals affected with POLE-related conditions. In summary, the available evidence is currently insufficient to determine the role of this variant in disease. Therefore, it has been classified as a Variant of Uncertain Significance. This sequence change replaces leucine, which is neutral and non-polar, with proline, which is neutral and non-polar, at codon 1795 of the POLE protein (p.Leu1795Pro). This variant is not present in population databases (gnomAD no frequency).